The following is an entry in ClinVar:

NM_002474.3(MYH11):c.5785A>C (p.Arg1929=)

Genes: MYH11 (myosin heavy chain 11; minus strand), NDE1 (nudE neurodevelopment protein 1; plus strand). Cytogenetic location: 16p13.11.
Variant type: single nucleotide variant.
Coding change: c.5785A>C on transcript NM_002474.3 (MANE Select); coding-DNA position 5785, A replaced by C.
Protein change: p.Arg1929=; no amino-acid change (arginine 1929 retained).
Molecular consequence: synonymous variant. On other transcripts: intron variant (2).
Genome position (GRCh38, 1-based): chr16:15,714,910, T>G on the plus strand (A>C on the coding strand, the complement: MYH11 is on the minus strand). VCF-style: chr16-15714910-T-G. GRCh37 (hg19) VCF-style: chr16-15808767-T-G.
Other names: c.5806A>C, p.Arg1936= (NM_001040113.2, NM_001040114.2); c.5785A>C, p.Arg1929= (NM_022844.3); c.948-9281T>G (NM_001143979.2, NM_017668.3).
Identifiers: ClinVar variation 2067782 (VCV002067782.3), dbSNP rs2040033952, ClinGen allele CA493745465.

ClinVar aggregate classification (germline): Uncertain significance. Review status: criteria provided, single submitter (1 of 4 stars). 2 submissions from 2 submitters: Uncertain significance (1). 1 of the submissions does not count toward it. Last evaluated 2021-07-21.

Conditions:
MYH11-related disorder. Also called: MYH11-related condition.
Aortic aneurysm, familial thoracic 4 (AAT4). Also called: AORTIC ANEURYSM/AORTIC DISSECTION AND PATENT DUCTUS ARTERIOSUS. Identifiers: MedGen C1851504, MONDO:0007568, OMIM 132900.

Submissions (2):

Labcorp Genetics (formerly Invitae), Labcorp
Classification: Uncertain significance for Aortic aneurysm, familial thoracic 4. Last evaluated: 2021-07-21. Review status: criteria provided, single submitter. Criteria: Invitae Variant Classification Sherloc (09022015). Collection method: clinical testing. Allele origin: germline.
Comment: This sequence change affects codon 1936 of the MYH11 mRNA. It is a 'silent' change, meaning that it does not change the encoded amino acid sequence of the MYH11 protein. This variant is not present in population databases (ExAC no frequency). This variant has not been reported in the literature in individuals with MYH11-related disease. Algorithms developed to predict the effect of sequence changes on RNA splicing suggest that this variant is not likely to affect RNA splicing, but this prediction has not been confirmed by published transcriptional studies. In summary, the available evidence is currently insufficient to determine the role of this variant in disease. Therefore, it has been classified as a Variant of Uncertain Significance.

PreventionGenetics, part of Exact Sciences
Classification: Uncertain significance for MYH11-related condition. Last evaluated: 2024-01-30. Review status: no assertion criteria provided. Collection method: clinical testing. Allele origin: germline. Not counted in ClinVar's aggregate classification.
Comment: The MYH11 c.5806A>C is a noncoding alteration. To our knowledge, this variant has not been reported in the literature or in a large population database, indicating this variant is rare. At this time, the clinical significance of this variant is uncertain due to the absence of conclusive functional and genetic evidence.